The following is an entry in ClinVar:

NM_002016.2(FLG):c.3702del (p.Ser1235fs)

Genes: CCDST (cervical cancer associated DHX9 suppressive transcript; plus strand), FLG (filaggrin; minus strand). Cytogenetic location: 1q21.3.
Variant type: Deletion.
Coding change: c.3702del on transcript NM_002016.2 (MANE Select); coding-DNA position 3702, one base deleted (G; older notation c.3702delG).
Protein change: p.Ser1235fs; shifts the reading frame from serine 1235.
Molecular consequence: frameshift variant.
Genome position (GRCh38, 1-based): chr1:152,311,184, C deleted on the plus strand (G on the coding strand, the reverse complement: FLG is on the minus strand); the first of 3 consecutive C bases (chr1:152,311,184-152,311,186); deleting any one gives the same sequence. VCF-style (leftmost placement, unchanged base first): chr1-152311183-AC-A. GRCh37 (hg19) VCF-style: chr1-152283659-AC-A.
Other names: 3702delG; c.3702delG (NM_002016.1); short protein forms S1235fs.
Identifiers: ClinVar variation 50931 (VCV000050931.16), dbSNP rs397507563, ClinGen allele CA1106549.
Genomic context (GRCh38, chr1:152,311,183, plus strand): 5'-CCTGTCCCACCTGTGAGTGTCTAGAGCTGTCAGCCCAAGAGGCAGCTTCATGGTGACGTG[AC>A]CCTGAGTGCCTGGAGCCGTCTCCTGATTGTTTGTCCTTACGAGTTTGTCTGCTTGCACTT-3'

ClinVar aggregate classification (germline): Pathogenic/Likely pathogenic. Review status: criteria provided, multiple submitters, no conflicts (2 of 4 stars). 7 submissions from 7 submitters: Pathogenic (6); Likely pathogenic (1). Last evaluated 2025-12-02.

Conditions:
FLG-related disorder. Also called: FLG-related disorders; FLG-related condition.
Ichthyosis vulgaris. Also called: ICHTHYOSIS SIMPLEX; Dominant ichthyosis vulgaris. Identifiers: MedGen C0079584, MONDO:0024304, OMIM 146700.
Incidental Discovery. Identifiers: MedGen C1135954.

Submissions (7):

GeneDx
Classification: Pathogenic. Last evaluated: 2025-12-02. Review status: criteria provided, single submitter. Criteria: GeneDx Variant Classification Process June 2021. Collection method: clinical testing. Allele origin: germline. Affected: yes.
Comment: Frameshift variant predicted to result in abnormal protein length as the last 2827 amino acids are replaced with 210 different amino acids, and other similar variants have been reported in HGMD; This variant is associated with the following publications: (PMID: 25390410, 21514438, 24565632, 16810297, 19681860, 17417636, 29266469, 28927888, 31589614, 16444271, 31629803)

Clinical Genetics Laboratory, Skane University Hospital Lund
Classification: Likely pathogenic for Incidental Discovery. Last evaluated: 2025-10-03. Review status: criteria provided, single submitter. Criteria: ACMG Guidelines, 2015. Collection method: clinical testing. Allele origin: germline.
Comment: ACMG criteria applied: PVS1_strong, PM2.

Baylor Genetics
Classification: Pathogenic for Ichthyosis vulgaris. Last evaluated: 2023-10-04. Review status: criteria provided, single submitter. Criteria: ACMG Guidelines, 2015. Collection method: clinical testing. Allele origin: unknown.

Clinical Genomics Laboratory, Washington University in St. Louis
Classification: Pathogenic for Ichthyosis vulgaris. Last evaluated: 2023-10-02. Review status: criteria provided, single submitter. Criteria: ACMG Guidelines, 2015. Collection method: clinical testing. Allele origin: germline. Affected: yes.
Comment: The FLG c.3702del (p.Ser1235HisfsTer211) variant, also known as 3702delG, has been described in the heterozygous and compound heterozygous state in individuals affected with atopic dermatitis or icthyosis vulgaris and is associated with an increased risk for atopic dermatitis (OR 7.9; Brown SJ et al., PMID: 19681860; Gruber R et al., PMID: 21514438; Mohiuddin MS et al., PMID: 24565632; Sandilands A et al., PMID: 17417636). This variant has been reported in the ClinVar database as a germline pathogenic variant by two submitters. This variant is only observed on 49/282666 alleles in the general population (gnomAD v.2.1.1), indicating it is not a common variant. This variant causes a frameshift by deleting a single nucleotide, leading to a premature termination codon; however, because this occurs in the last exon, this is not predicted to lead to nonsense mediated decay. There are at least three pathogenic variants that introduce a premature termination codon that occur downstream of this variant. Based on available information and the ACMG/AMP guidelines for variant interpretation (Richards S et al., PMID: 25741868), this variant is classified as pathogenic.

Blueprint Genetics
Classification: Pathogenic for FLG-related disorders. Last evaluated: 2023-07-20. Review status: criteria provided, single submitter. Criteria: ACMG Guidelines, 2015. Collection method: clinical testing. Allele origin: germline. Affected: yes. Observed: 5 variant alleles.

Genome-Nilou Lab
Classification: Pathogenic for Ichthyosis vulgaris. Last evaluated: 2023-04-11. Review status: criteria provided, single submitter. Criteria: ACMG Guidelines, 2015. Collection method: clinical testing. Allele origin: germline. Affected: no.

Provincial Medical Genetics Program of British Columbia, University of British Columbia
Classification: Pathogenic for Ichthyosis vulgaris. Last evaluated: 2022-01-01. Review status: criteria provided, single submitter. Criteria: ACMG Guidelines, 2015. Collection method: clinical testing. Allele origin: germline. Affected: yes.